The following is an entry in ClinVar:

ClinVar aggregate classification (germline): Uncertain significance. Review status: criteria provided, multiple submitters, no conflicts (2 of 4 stars). 2 submissions from 2 submitters: Uncertain significance (2). Last evaluated 2024-06-17.

Allele frequency attached by ClinVar (database versions not stated): ExAC 0.00001.
gnomAD v4.1: 8 of 1,614,222 alleles (0.0005%); highest among the groups gnomAD compares: South Asian, 0.0022%; no homozygotes.

Submissions (2):

Blueprint Genetics
Classification: Uncertain significance. Last evaluated: 2024-06-17. Review status: criteria provided, single submitter. Criteria: ACMG Guidelines, 2015. Collection method: clinical testing. Allele origin: germline.

Labcorp Genetics (formerly Invitae), Labcorp
Classification: Uncertain significance. Last evaluated: 2022-06-13. Review status: criteria provided, single submitter. Criteria: Invitae Variant Classification Sherloc (09022015). Collection method: clinical testing. Allele origin: germline.
Comment: In summary, the available evidence is currently insufficient to determine the role of this variant in disease. Therefore, it has been classified as a Variant of Uncertain Significance. Algorithms developed to predict the effect of sequence changes on RNA splicing suggest that this variant may create or strengthen a splice site. Advanced modeling of protein sequence and biophysical properties (such as structural, functional, and spatial information, amino acid conservation, physicochemical variation, residue mobility, and thermodynamic stability) performed at Invitae indicates that this missense variant is not expected to disrupt CDHR1 protein function. This variant has not been reported in the literature in individuals affected with CDHR1-related conditions. This variant is present in population databases (rs749093293, gnomAD 0.0009%). This sequence change replaces aspartic acid, which is acidic and polar, with valine, which is neutral and non-polar, at codon 608 of the CDHR1 protein (p.Asp608Val).

NM_033100.4(CDHR1):c.1823A>T (p.Asp608Val)

Gene: CDHR1 (cadherin related family member 1; plus strand). Cytogenetic location: 10q23.1.
Variant type: single nucleotide variant.
Coding change: c.1823A>T on transcript NM_033100.4 (MANE Select); coding-DNA position 1823, A replaced by T.
Protein change: p.Asp608Val; replaces aspartic acid 608 with valine.
Molecular consequence: missense variant.
Genome position (GRCh38, 1-based): chr10:84,213,131, A>T. VCF-style: chr10-84213131-A-T. GRCh37 (hg19) VCF-style: chr10-85972887-A-T.
Other names: c.1823A>T, p.Asp608Val (NM_001171971.3); short protein forms D608V.
Identifiers: ClinVar variation 1357138 (VCV001357138.7), dbSNP rs749093293, ClinGen allele CA5580066.